The following is an entry in ClinVar:

NM_007294.4(BRCA1):c.5521A>G (p.Ser1841Gly)

Gene: BRCA1 (BRCA1 DNA repair associated; minus strand). Cytogenetic location: 17q21.31.
Variant type: single nucleotide variant.
Coding change: c.5521A>G on transcript NM_007294.4 (MANE Select); coding-DNA position 5521, A replaced by G.
Protein change: p.Ser1841Gly; replaces serine 1841 with glycine.
Molecular consequence: missense variant. On other transcripts: 3 prime UTR variant (1), non-coding transcript variant (1).
Genome position (GRCh38, 1-based): chr17:43,045,749, T>C on the plus strand (A>G on the coding strand, the complement: BRCA1 is on the minus strand). VCF-style: chr17-43045749-T-C. GRCh37 (hg19) VCF-style: chr17-41197766-T-C.
Other names: c.5389A>G, p.Ser1797Gly (NM_001407690.1, NM_001407691.1); c.5380A>G, p.Ser1794Gly (NM_001407692.1, NM_001407694.1, NM_001407695.1 and 12 more transcripts); c.5377A>G, p.Ser1793Gly (NM_001407734.1, NM_001407735.1, NM_001407736.1 and 18 more transcripts); c.5374A>G, p.Ser1792Gly (NM_001407838.1, NM_001407839.1, NM_001407841.1 and 12 more transcripts); c.*35A>G (NM_001407854.1, NM_001407858.1, NM_001407859.1 and 14 more transcripts); c.5320A>G, p.Ser1774Gly (NM_001407862.1); c.5317A>G, p.Ser1773Gly (NM_001407863.1); c.5314A>G, p.Ser1772Gly (NM_001407874.1, NM_001407875.1); and 74 more; short protein forms S1862G, S1841G, S737G, S1794G, S1672G, S1713G, S1714G, S1729G.
Identifiers: ClinVar variation 825803 (VCV000825803.9), dbSNP rs80357299, ClinGen allele CA10590277.

ClinVar aggregate classification (germline): Conflicting classifications of pathogenicity. Review status: criteria provided, conflicting classifications (1 of 4 stars). 3 submissions from 3 submitters: Likely pathogenic (1); Uncertain significance (2). Last evaluated 2025-12-20.

Conditions:
Hereditary breast ovarian cancer syndrome. Also called: BRCA1- and BRCA2-Associated Hereditary Breast and Ovarian Cancer; Hereditary breast and ovarian cancer syndrome (HBOC); Hereditary breast and ovarian cancer syndrome; Breast and ovarian cancer; Hereditary breast and ovarian cancer; Hereditary breast and/or ovarian cancer syndrome. Identifiers: Orphanet 145, MedGen C0677776, MeSH D061325, MONDO:0003582. Disease mechanism: loss of function.
Fanconi anemia, complementation group S (FANCS). Identifiers: MedGen C4554406, MONDO:0054748, OMIM 617883.
Hereditary cancer-predisposing syndrome. Also called: Hereditary Cancer Syndrome; Hereditary neoplastic syndrome; Neoplastic Syndromes, Hereditary; Tumor predisposition. Identifiers: Orphanet 140162, MedGen C0027672, MeSH D009386, MONDO:0015356.

Allele frequency attached by ClinVar (database versions not stated): gnomAD exomes below 0.00001.
gnomAD v4.1: 3 of 1,614,098 alleles (0.00019%); highest among the groups gnomAD compares: Non-Finnish European, 0.00025%; no homozygotes.

Submissions (4):

Labcorp Genetics (formerly Invitae), Labcorp
Classification: Likely pathogenic for Hereditary breast ovarian cancer syndrome. Last evaluated: 2025-12-20. Review status: criteria provided, single submitter. Criteria: Invitae Variant Classification Sherloc (09022015). Collection method: clinical testing. Allele origin: germline.
Comment: This sequence change replaces serine, which is neutral and polar, with glycine, which is neutral and non-polar, at codon 1841 of the BRCA1 protein (p.Ser1841Gly). This variant is not present in population databases (gnomAD no frequency). This variant has not been reported in the literature in individuals affected with BRCA1-related conditions. ClinVar contains an entry for this variant (Variation ID: 825803). Invitae Evidence Modeling of protein sequence and biophysical properties (such as structural, functional, and spatial information, amino acid conservation, physicochemical variation, residue mobility, and thermodynamic stability) indicates that this missense variant is expected to disrupt BRCA1 protein function with a positive predictive value of 95%. This variant disrupts the p.Ser1841 amino acid residue in BRCA1. Other variant(s) that disrupt this residue have been determined to be pathogenic (PMID: 23522120). This suggests that this residue is clinically significant, and that variants that disrupt this residue are likely to be disease-causing. In summary, the currently available evidence indicates that the variant is pathogenic, but additional data are needed to prove that conclusively. Therefore, this variant has been classified as Likely Pathogenic.

Department of Pathology and Laboratory Medicine, Sinai Health System
Classification: Uncertain significance for Fanconi anemia, complementation group S. Last evaluated: 2020-12-17. Review status: criteria provided, single submitter. Criteria: ACMG Guidelines, 2015. Collection method: clinical testing. Allele origin: germline.

Ambry Genetics
Classification: Uncertain significance for Hereditary cancer-predisposing syndrome. Last evaluated: 2019-03-20. Review status: criteria provided, single submitter. Criteria: Ambry Variant Classification Scheme 2023. Collection method: clinical testing. Allele origin: germline.
Comment: The p.S1841G variant (also known as c.5521A>G), located in coding exon 22 of the BRCA1 gene, results from an A to G substitution at nucleotide position 5521. The serine at codon 1841 is replaced by glycine, an amino acid with similar properties. One functional study found that this nucleotide substitution is borderline deleterious in a high throughput genome editing haploid cell survival assay (Findlay GM et al. Nature, 2018 10;562:217-222). This amino acid position is highly conserved in available vertebrate species. In addition, this alteration is predicted to be deleterious by in silico analysis. Since supporting evidence is limited at this time, the clinical significance of this alteration remains unclear.

Brotman Baty Institute, University of Washington
No classification provided (evidence only). Condition: Breast-ovarian cancer, familial 1. Review status: no classification provided. Collection method: in vitro. Allele origin: not applicable. Functional consequence: function_uncertain_variant. Not counted in ClinVar's aggregate classification.
ClinVar note: "not provided" was previously submitted as the classification for the variant. However, the classification appeared to be based only on an observation of functional data so it was converted to no classification on 2025-07-30.

Literature cited by the submitters: PubMed 23522120 (cited by Labcorp Genetics (formerly Invitae), Labcorp); PubMed 30209399 (cited by Department of Pathology and Laboratory Medicine, Sinai Health System and Ambry Genetics).